The following is an entry in ClinVar:

NM_000264.5(PTCH1):c.3943_3944delinsTT (p.Pro1315Phe)

Gene: PTCH1 (patched 1; minus strand). Cytogenetic location: 9q22.32.
Variant type: Indel.
Coding change: c.3943_3944delinsTT on transcript NM_000264.5 (MANE Select); coding-DNA positions 3943 to 3944, CC replaced by TT.
Protein change: p.Pro1315Phe; replaces proline 1315 with phenylalanine.
Molecular consequence: missense variant. On other transcripts: non-coding transcript variant (1).
Genome position (GRCh38, 1-based): chr9:95,447,312-95,447,313, GG replaced by AA on the plus strand (CC replaced by TT on the coding strand, the reverse complement: PTCH1 is on the minus strand). VCF-style: chr9-95447312-GG-AA. GRCh37 (hg19) VCF-style: chr9-98209594-GG-AA.
Other names: c.3745_3746delinsTT, p.Pro1249Phe (NM_001083602.3); c.3490_3491delinsTT, p.Pro1164Phe (NM_001083606.3, NM_001083607.3, NM_001083604.3 and 1 more transcripts); c.3940_3941delinsTT, p.Pro1314Phe (NM_001083603.3); c.3787_3788delinsTT, p.Pro1263Phe (NM_001354918.2); c.3943_3944delCCinsTT (NM_000264.3); short protein forms P1164F, P1263F, P1314F, P1315F, P1249F.
Identifiers: ClinVar variation 662309 (VCV000662309.10), dbSNP rs1588511695, ClinGen allele CA915947062.
Genomic context (GRCh38, chr9:95,447,312, plus strand): 5'-TTGCTAGGGCCAGAATGCCCTTCAGTAGAAATTTCAAAAGCGTCTCTGCGCGGTCTGTAG[GG>AA]GGGTGGCCACAAGCCTTCTCTGGGGGGGTCCCTGCGGGGCTGCTGGCCTTGCCGTCCGGG-3'
Protein context (NP_000255.2, residues 1305-1325): DPPREGLWPP[Pro1315Phe]YRPRRDAFEI

ClinVar aggregate classification (germline): Uncertain significance. Review status: criteria provided, multiple submitters, no conflicts (2 of 4 stars). 2 submissions from 2 submitters: Uncertain significance (2). Last evaluated 2024-08-28.

Conditions:
Hereditary cancer-predisposing syndrome. Also called: Neoplastic Syndromes, Hereditary; Hereditary neoplastic syndrome; Tumor predisposition; Hereditary Cancer Syndrome. Identifiers: Orphanet 140162, MedGen C0027672, MeSH D009386, MONDO:0015356.
Gorlin syndrome. Also called: Nevoid Basal Cell Carcinoma Syndrome; Basal cell nevus syndrome. Identifiers: Orphanet 377, MedGen C0004779, MONDO:0007187.

Submissions (2):

Labcorp Genetics (formerly Invitae), Labcorp
Classification: Uncertain significance for Gorlin syndrome. Last evaluated: 2024-08-28. Review status: criteria provided, single submitter. Criteria: Invitae Variant Classification Sherloc (09022015). Collection method: clinical testing. Allele origin: germline.
Comment: This sequence change replaces proline, which is neutral and non-polar, with phenylalanine, which is neutral and non-polar, at codon 1315 of the PTCH1 protein (p.Pro1315Phe). Information on the frequency of this variant in the gnomAD database is not available, as this variant may be reported differently in the database. This variant has not been reported in the literature in individuals affected with PTCH1-related conditions. ClinVar contains an entry for this variant (Variation ID: 662309). An algorithm developed to predict the effect of missense changes on protein structure and function (PolyPhen-2) suggests that this variant is likely to be disruptive. In summary, the available evidence is currently insufficient to determine the role of this variant in disease. Therefore, it has been classified as a Variant of Uncertain Significance.

Ambry Genetics
Classification: Uncertain significance for Hereditary cancer-predisposing syndrome. Last evaluated: 2024-05-08. Review status: criteria provided, single submitter. Criteria: Ambry Variant Classification Scheme 2023. Collection method: clinical testing. Allele origin: germline.
Comment: The c.3943_3944delCCinsTT variant (also known as p.P1315F), located in coding exon 23 of the PTCH1 gene, results from an in-frame deletion of CC and insertion of TT at nucleotide positions 3943 to 3944. This results in the substitution of the proline residue for a phenylalanine residue at codon 1315, an amino acid with dissimilar properties. In addition, this alteration is predicted to be neutral by in silico analysis (Choi Y et al. PLoS ONE. 2012; 7(10):e46688). Based on the available evidence, the clinical significance of this variant remains unclear.